The following is an entry in ClinVar:

ClinVar aggregate classification (germline): Uncertain significance. Review status: criteria provided, multiple submitters, no conflicts (2 of 4 stars). 3 submissions from 3 submitters: Uncertain significance (3). Last evaluated 2024-10-07.

Conditions:
Long QT syndrome (LQTS). Identifiers: MedGen C0023976, MeSH D008133, MONDO:0002442. Disease mechanism: loss of function. Inheritance: Various modes of inheritance.
Cardiac arrhythmia. Also called: Cardiac rhythm disease; Arrhythmia. Identifiers: MedGen C0003811, MONDO:0007263, HP:0011675.

Submissions (3):

GeneDx
Classification: Uncertain significance. Last evaluated: 2024-10-07. Review status: criteria provided, single submitter. Criteria: GeneDx Variant Classification Process June 2021. Collection method: clinical testing. Allele origin: germline. Affected: yes.
Comment: Not observed at significant frequency in large population cohorts (gnomAD); In silico analysis indicates that this missense variant does not alter protein structure/function; Has not been previously published as pathogenic or benign to our knowledge

All of Us Research Program, National Institutes of Health
Classification: Uncertain significance for Long QT syndrome. Last evaluated: 2023-12-18. Review status: criteria provided, single submitter. Criteria: ACMG Guidelines, 2015. Collection method: clinical testing. Allele origin: germline. Inheritance: Autosomal dominant inheritance. Observed: 1 variant allele, 1 heterozygote.
Comment: This missense variant replaces serine with glycine at codon 463 of the KCNQ1 protein. Computational prediction tools indicate that this variant has a neutral impact on protein structure and function. This variant is found within a highly conserved C-terminus region (a.a. 392-508). Rare non-truncating variants in this region have been shown to be significantly overrepresented in individuals with long QT syndrome (PMID: 32893267). To our knowledge, functional studies have not been reported for this variant. This variant has not been reported in individuals affected with KCNQ1-related disorders in the literature. This variant has not been identified in the general population by the Genome Aggregation Database (gnomAD). The available evidence is insufficient to determine the role of this variant in disease conclusively. Therefore, this variant is classified as a Variant of Uncertain Significance.

This study involves interpretation of variants in research participants for the purpose of population health screening. Participant phenotype was not available at the time of variant classification. Additional details can be found in publication PMID: 35346344, PMCID: PMC8962531

Color Diagnostics, LLC DBA Color Health
Classification: Uncertain significance for Cardiac arrhythmia. Last evaluated: 2023-11-29. Review status: criteria provided, single submitter. Criteria: ACMG Guidelines, 2015. Collection method: clinical testing. Allele origin: germline.
Comment: This missense variant replaces serine with glycine at codon 463 of the KCNQ1 protein. Computational prediction tools indicate that this variant has a neutral impact on protein structure and function. This variant is found within a highly conserved C-terminus region (a.a. 392-508). Rare non-truncating variants in this region have been shown to be significantly overrepresented in individuals with long QT syndrome (PMID: 32893267). To our knowledge, functional studies have not been reported for this variant. This variant has not been reported in individuals affected with KCNQ1-related disorders in the literature. This variant has not been identified in the general population by the Genome Aggregation Database (gnomAD). The available evidence is insufficient to determine the role of this variant in disease conclusively. Therefore, this variant is classified as a Variant of Uncertain Significance.

Literature cited by the submitters: PubMed 32893267 (cited by All of Us Research Program, National Institutes of Health and Color Diagnostics, LLC DBA Color Health).

NM_000218.3(KCNQ1):c.1387A>G (p.Ser463Gly)

Gene: KCNQ1 (potassium voltage-gated channel subfamily Q member 1; plus strand). Cytogenetic location: 11p15.5.
Variant type: single nucleotide variant.
Coding change: c.1387A>G on transcript NM_000218.3 (MANE Select); coding-DNA position 1387, A replaced by G.
Protein change: p.Ser463Gly; replaces serine 463 with glycine.
Molecular consequence: missense variant.
Genome position (GRCh38, 1-based): chr11:2,588,848, A>G. VCF-style: chr11-2588848-A-G. GRCh37 (hg19) VCF-style: chr11-2610078-A-G.
Other names: c.1291A>G, p.Ser431Gly (NM_001406836.1); c.1117A>G, p.Ser373Gly (NM_001406837.1); c.847A>G, p.Ser283Gly (NM_001406838.1); c.1006A>G, p.Ser336Gly (NM_181798.2); short protein forms S463G, S336G, S373G, S283G, S431G.
Identifiers: ClinVar variation 923366 (VCV000923366.10), dbSNP rs1848632977, ClinGen allele CA379135212.